The following is an entry in ClinVar:

NM_001298.3(CNGA3):c.992G>A (p.Gly331Glu)

Gene: CNGA3 (cyclic nucleotide gated channel subunit alpha 3; plus strand). Cytogenetic location: 2q11.2.
Variant type: single nucleotide variant.
Coding change: c.992G>A on transcript NM_001298.3 (MANE Select); coding-DNA position 992, G replaced by A.
Protein change: p.Gly331Glu; replaces glycine 331 with glutamic acid.
Molecular consequence: missense variant.
Genome position (GRCh38, 1-based): chr2:98,396,162, G>A. VCF-style: chr2-98396162-G-A. GRCh37 (hg19) VCF-style: chr2-99012625-G-A.
Other names: c.992G>A (NM_001298.2); c.938G>A, p.Gly313Glu (NM_001079878.2); short protein forms G313E, G331E.
Identifiers: ClinVar variation 1064498 (VCV001064498.11), dbSNP rs1311451829, ClinGen allele CA347832592.
Genomic context (GRCh38, chr2:98,396,162, plus strand): 5'-TCATCATCATCCACTGGAATGCCTGCATCTACTTTGCCATTTCCAAGTTCATTGGTTTTG[G>A]GACAGACTCCTGGGTCTACCCAAACATCTCAATCCCAGAGCATGGGCGCCTCTCCAGGAA-3'
Protein context (NP_001289.1, residues 321-341): YFAISKFIGF[Gly331Glu]TDSWVYPNIS

ClinVar aggregate classification (germline): Pathogenic/Likely pathogenic. Review status: criteria provided, multiple submitters, no conflicts (2 of 4 stars). 4 submissions from 4 submitters: Pathogenic (2); Likely pathogenic (1). 1 of the submissions does not count toward it. Last evaluated 2025-10-29.

Conditions:
Achromatopsia 2 (ACHM2). Also called: ROD MONOCHROMACY 2; ROD MONOCHROMATISM 2; COLORBLINDNESS, TOTAL. Identifiers: Orphanet 49382, MedGen C1857618, MONDO:0009003, OMIM 216900.

Allele frequency attached by ClinVar (database versions not stated): gnomAD exomes below 0.00001.
gnomAD v4.1: 6 of 1,614,134 alleles (0.00037%); highest among the groups gnomAD compares: Non-Finnish European, 0.00051%; no homozygotes.

Submissions (4):

Labcorp Genetics (formerly Invitae), Labcorp
Classification: Pathogenic. Last evaluated: 2025-10-29. Review status: criteria provided, single submitter. Criteria: Invitae Variant Classification Sherloc (09022015). Collection method: clinical testing. Allele origin: germline.
Comment: This sequence change replaces glycine, which is neutral and non-polar, with glutamic acid, which is acidic and polar, at codon 331 of the CNGA3 protein (p.Gly331Glu). This variant is present in population databases (no rsID available, gnomAD 0.0009%). This missense change has been observed in individual(s) with clinical features of CNGA3-related disease (PMID: 35332618; internal data). In at least one individual the data is consistent with being in trans (on the opposite chromosome) from a pathogenic variant. ClinVar contains an entry for this variant (Variation ID: 1064498). Invitae Evidence Modeling of protein sequence and biophysical properties (such as structural, functional, and spatial information, amino acid conservation, physicochemical variation, residue mobility, and thermodynamic stability) indicates that this missense variant is expected to disrupt CNGA3 protein function with a positive predictive value of 95%. This variant disrupts the p.Gly331 amino acid residue in CNGA3. Other variant(s) that disrupt this residue have been determined to be pathogenic (PMID: 25943428). This suggests that this residue is clinically significant, and that variants that disrupt this residue are likely to be disease-causing. For these reasons, this variant has been classified as Pathogenic.

GeneDx
Classification: Pathogenic. Last evaluated: 2025-03-08. Review status: criteria provided, single submitter. Criteria: GeneDx Variant Classification Process June 2021. Collection method: clinical testing. Allele origin: germline. Affected: yes.
Comment: Published functional studies demonstrate a damaging effect on CNGA3 channel activity (PMID: 37689994); In silico analysis supports that this missense variant has a deleterious effect on protein structure/function; Not observed at significant frequency in large population cohorts (gnomAD); This variant is associated with the following publications: (PMID: 35332618, 37689994)

Women's Health and Genetics/Laboratory Corporation of America, LabCorp
Classification: Likely pathogenic for Achromatopsia 2. Last evaluated: 2024-08-12. Review status: criteria provided, single submitter. Criteria: LabCorp Variant Classification Summary - May 2015. Collection method: clinical testing. Allele origin: germline.
Comment: Variant summary: CNGA3 c.992G>A (p.Gly331Glu) results in a non-conservative amino acid change located in the Ion transport domain (IPR005821) of the encoded protein sequence. Five of five in-silico tools predict a damaging effect of the variant on protein function. The variant allele was found at a frequency of 4e-06 in 251480 control chromosomes. c.992G>A has been reported in the literature in at least one individual affected with Achromatopsia without reported genotype (e.g. Solaki_2022). This report does not provide unequivocal conclusions about association of the variant with Achromatopsia 2. At least one publication reports experimental evidence evaluating an impact on protein function. In an aequorin-based luminescence bioassay, the variant showed <10% of normalized overall luminescence activity compared to WT in vitro (e.g. Solaki_2023). The following publications have been ascertained in the context of this evaluation (PMID: 37689994, 35332618). ClinVar contains an entry for this variant (Variation ID: 1064498). Based on the evidence outlined above, the variant was classified as likely pathogenic.

Molecular Genetics Laboratory, Institute for Ophthalmic Research
Classification: Likely pathogenic for Achromatopsia 2. Last evaluated: 2021-04-15. Review status: no assertion criteria provided. Collection method: research. Allele origin: germline. Affected: yes. Not counted in ClinVar's aggregate classification.

Literature cited by the submitters: PubMed 35332618 (cited by Labcorp Genetics (formerly Invitae), Labcorp and Women's Health and Genetics/Laboratory Corporation of America, LabCorp); PubMed 25943428 (cited by Labcorp Genetics (formerly Invitae), Labcorp); PubMed 37689994 (cited by Women's Health and Genetics/Laboratory Corporation of America, LabCorp).